The following is an entry in ClinVar:

ClinVar aggregate classification (germline): Benign (3 of 4 stars; one submission).

Conditions:
Breast-ovarian cancer, familial, susceptibility to, 2 (BROVCA2). Also called: BRCA2 Hereditary Breast and Ovarian Cancer. Identifiers: Orphanet 145, MedGen C2675520, MONDO:0012933, OMIM 612555. Disease mechanism: loss of function.

Allele frequency attached by ClinVar (database versions not stated): 1000 Genomes Project 30x 0.97548; 1000 Genomes Project 0.97664; TOPMed 0.97857; gnomAD 0.97969 and 0.98101.

Submission:

Evidence-based Network for the Interpretation of Germline Mutant Alleles (ENIGMA)
Classification: Benign for Breast-ovarian cancer, familial, susceptibility to, 2. Last evaluated: 2016-09-28. Review status: reviewed by expert panel. Criteria: ENIGMA BRCA1/2 Classification Criteria (2015). Collection method: curation. Allele origin: germline.
Comment: Class 1 not pathogenic based on frequency >1% in an outbred sampleset. Frequency 0.999 (European), 0.9138 (African), 0.9971 (Admixed American/Latino), 1 (East Asian), 1 (South Asian), derived from 1000 genomes (2013-05-02).

NM_000059.4(BRCA2):c.9256+6908dup

Gene: BRCA2 (BRCA2 DNA repair associated; plus strand). Cytogenetic location: 13q13.1.
Variant type: Duplication.
Coding change: c.9256+6908dup on transcript NM_000059.4 (MANE Select); 6908 bases into the intron after coding-DNA position 9256, one base duplicated (C; older notation c.9256+6908dupC).
Molecular consequence: intron variant.
Genome position (GRCh38, 1-based): chr13:32,387,053, C duplicated. VCF-style (leftmost placement, unchanged base first): chr13-32387052-G-GC. GRCh37 (hg19) VCF-style: chr13-32961189-G-GC.
Identifiers: ClinVar variation 264910 (VCV000264910.1), dbSNP rs397751953, ClinGen allele CA10588165.